The following is an entry in ClinVar:

NM_176824.3(BBS7):c.2042A>C (p.Lys681Thr)

Gene: BBS7 (Bardet-Biedl syndrome 7; minus strand). Cytogenetic location: 4q27.
Variant type: single nucleotide variant.
Coding change: c.2042A>C on transcript NM_176824.3 (MANE Select); coding-DNA position 2042, A replaced by C.
Protein change: p.Lys681Thr; replaces lysine 681 with threonine.
Molecular consequence: missense variant.
Genome position (GRCh38, 1-based): chr4:121,825,966, T>G on the plus strand (A>C on the coding strand, the complement: BBS7 is on the minus strand). VCF-style: chr4-121825966-T-G. GRCh37 (hg19) VCF-style: chr4-122747121-T-G.
Other names: c.2042A>C (NM_176824.2); short protein forms K681T.
Identifiers: ClinVar variation 2100437 (VCV002100437.5), dbSNP rs534408910, ClinGen allele CA358053800.

ClinVar aggregate classification (germline): Uncertain significance. Review status: criteria provided, multiple submitters, no conflicts (2 of 4 stars). 2 submissions from 2 submitters: Uncertain significance (2). Last evaluated 2025-06-25.

Conditions:
Inborn genetic diseases. Identifiers: MedGen C0950123, MeSH D030342.
Bardet-Biedl syndrome (BBS). Identifiers: Orphanet 110, MedGen C0752166, MONDO:0015229.

Submissions (2):

Ambry Genetics
Classification: Uncertain significance for Inborn genetic diseases. Last evaluated: 2025-06-25. Review status: criteria provided, single submitter. Criteria: Ambry Variant Classification Scheme 2023. Collection method: clinical testing. Allele origin: germline.

Labcorp Genetics (formerly Invitae), Labcorp
Classification: Uncertain significance for Bardet-Biedl syndrome. Last evaluated: 2025-03-17. Review status: criteria provided, single submitter. Criteria: Invitae Variant Classification Sherloc (09022015). Collection method: clinical testing. Allele origin: germline.
Comment: This sequence change replaces lysine, which is basic and polar, with threonine, which is neutral and polar, at codon 681 of the BBS7 protein (p.Lys681Thr). This variant is not present in population databases (gnomAD no frequency). This variant has not been reported in the literature in individuals affected with BBS7-related conditions. ClinVar contains an entry for this variant (Variation ID: 2100437). Invitae Evidence Modeling of protein sequence and biophysical properties (such as structural, functional, and spatial information, amino acid conservation, physicochemical variation, residue mobility, and thermodynamic stability) indicates that this missense variant is not expected to disrupt BBS7 protein function with a negative predictive value of 80%. In summary, the available evidence is currently insufficient to determine the role of this variant in disease. Therefore, it has been classified as a Variant of Uncertain Significance.